The following is an entry in ClinVar:

ClinVar aggregate classification (germline): Likely pathogenic. Review status: criteria provided, multiple submitters, no conflicts (2 of 4 stars). 2 submissions from 2 submitters: Likely pathogenic (2). Last evaluated 2024-09-30.

Conditions:
Citrullinemia. Identifiers: Orphanet 187, MedGen C0175683, MONDO:0015991.

Submissions (2):

GeneDx
Classification: Likely pathogenic. Last evaluated: 2024-09-30. Review status: criteria provided, single submitter. Criteria: GeneDx Variant Classification Process June 2021. Collection method: clinical testing. Allele origin: germline. Affected: yes.
Comment: Published functional studies found this variant is associated with significantly reduced enzyme activity (PMID: 31469252); In silico analysis supports that this missense variant has a deleterious effect on protein structure/function; Not observed at significant frequency in large population cohorts (gnomAD); This variant is associated with the following publications: (PMID: 31469252, 35726796)

Women's Health and Genetics/Laboratory Corporation of America, LabCorp
Classification: Likely pathogenic for Citrullinemia. Last evaluated: 2024-07-10. Review status: criteria provided, single submitter. Criteria: LabCorp Variant Classification Summary - May 2015. Collection method: clinical testing. Allele origin: germline.
Comment: Variant summary: ASS1 c.880C>T (p.His294Tyr) results in a conservative amino acid change located in the Arginosuccinate synthase C-terminal domain (IPR048268) of the encoded protein sequence. Four of five in-silico tools predict a damaging effect of the variant on protein function. The variant was absent in 251442 control chromosomes. c.880C>T has been reported in the literature in at least one homozygous individual affected with Citrullinemia Type I and one heterozygous individual with elevated citrulline levels (e.g. Zielonka_2019, Chen_2022). These data indicate that the variant may be associated with disease. At least one publication reports experimental evidence evaluating an impact on protein function. The most pronounced variant effect results in ~10% of normal enzyme activity in vitro (e.g. Zielonka_2019). The following publications have been ascertained in the context of this evaluation (PMID: 35726796, 31469252). No submitters have cited clinical-significance assessments for this variant to ClinVar. Based on the evidence outlined above, the variant was classified as likely pathogenic.

Literature cited by the submitters: PubMed 31469252 (cited by Women's Health and Genetics/Laboratory Corporation of America, LabCorp); PubMed 35726796 (cited by Women's Health and Genetics/Laboratory Corporation of America, LabCorp).

NM_054012.4(ASS1):c.880C>T (p.His294Tyr)

Gene: ASS1 (argininosuccinate synthase 1; plus strand). Cytogenetic location: 9q34.11.
Variant type: single nucleotide variant.
Coding change: c.880C>T on transcript NM_054012.4 (MANE Select); coding-DNA position 880, C replaced by T.
Protein change: p.His294Tyr; replaces histidine 294 with tyrosine.
Molecular consequence: missense variant.
Genome position (GRCh38, 1-based): chr9:130,489,374, C>T. VCF-style: chr9-130489374-C-T. GRCh37 (hg19) VCF-style: chr9-133364761-C-T.
Other names: c.880C>T, p.His294Tyr (NM_000050.4); short protein forms H294Y.
Identifiers: ClinVar variation 3338976 (VCV003338976.2).
Genomic context (GRCh38, chr9:130,489,374, plus strand): 5'-TGCCTGGAAAAATGGCTAGGTATCTACGAGACCCCAGCAGGCACCATCCTTTACCATGCT[C>T]ATTTAGACATCGAGGCCTTCACCATGGACCGGGAAGTGCGCAAAATCAAACAAGGCCTGG-3'
Protein context (NP_446464.1, residues 284-304): TPAGTILYHA[His294Tyr]LDIEAFTMDR